The following is an entry in ClinVar:

NM_001710.6(CFB):c.2035C>T (p.Arg679Trp)

Gene: CFB (complement factor B; plus strand). Cytogenetic location: 6p21.33.
Variant type: single nucleotide variant.
Coding change: c.2035C>T on transcript NM_001710.6 (MANE Select); coding-DNA position 2035, C replaced by T.
Protein change: p.Arg679Trp; replaces arginine 679 with tryptophan.
Molecular consequence: missense variant.
Genome position (GRCh38, 1-based): chr6:31,951,419, C>T. VCF-style: chr6-31951419-C-T. GRCh37 (hg19) VCF-style: chr6-31919196-C-T.
Other names: short protein forms R679W.
Identifiers: ClinVar variation 4280415 (VCV004280415.1).

ClinVar aggregate classification (germline): Uncertain significance (1 of 4 stars; one submission).

Conditions:
Atypical hemolytic-uremic syndrome. Identifiers: Orphanet 2134, MedGen C2931788, MONDO:0016244.

gnomAD v4.1: 8 of 1,614,212 alleles (0.0005%); highest among the groups gnomAD compares: Non-Finnish European, 0.00059%; no homozygotes.

Submission:

Genomenon, Inc
Classification: Uncertain significance for Atypical hemolytic-uremic syndrome. Last evaluated: 2025-09-26. Review status: criteria provided, single submitter. Criteria: Genomenon Sequence Variant Interpretation Standards - Updated. Collection method: curation. Allele origin: germline. Affected: no.
Comment: CFB p.Arg679Trp (c.2035C>T) is a missense variant that changes the amino acid at residue 679 from Arginine to Tryptophan. This variant has been reported in the published literature (PMID:34211499;29500241;26895476). It is absent or not present at a significant frequency in gnomAD. In conclusion, we classify CFB p.Arg679Trp (c.2035C>T) as a variant of uncertain significance.

Literature cited by the submitters: PubMed 34211499; 29500241; 26895476.